The following is an entry in ClinVar:

ClinVar aggregate classification (germline): Uncertain significance. Review status: criteria provided, multiple submitters, no conflicts (2 of 4 stars). 2 submissions from 2 submitters: Uncertain significance (2). Last evaluated 2025-01-28.

Conditions:
Hereditary cancer-predisposing syndrome. Also called: Hereditary Cancer Syndrome; Neoplastic Syndromes, Hereditary; Tumor predisposition; Hereditary neoplastic syndrome. Identifiers: Orphanet 140162, MedGen C0027672, MeSH D009386, MONDO:0015356.

Allele frequency attached by ClinVar (database versions not stated): gnomAD exomes below 0.00001; TOPMed below 0.00001; gnomAD 0.00001.
gnomAD v4.1: 3 of 1,610,648 alleles (0.00019%); highest among the groups gnomAD compares: Admixed American, 0.0017%; no homozygotes.

Submissions (2):

Color Diagnostics, LLC DBA Color Health
Classification: Uncertain significance for Hereditary cancer-predisposing syndrome. Last evaluated: 2025-01-28. Review status: criteria provided, single submitter. Criteria: ACMG Guidelines, 2015. Collection method: clinical testing. Allele origin: germline.
Comment: This variant is located in the 5' untranslated region of the RAD51D gene. To our knowledge, functional studies have not been performed for this variant. This variant has not been reported in individuals affected with hereditary cancer in the literature. This variant has been identified in 1/246242 chromosomes in the general population by the Genome Aggregation Database (gnomAD). The available evidence is insufficient to determine the role of this variant in disease conclusively. Therefore, this variant is classified as a Variant of Uncertain Significance.

Ambry Genetics
Classification: Uncertain significance for Hereditary cancer-predisposing syndrome. Last evaluated: 2024-09-22. Review status: criteria provided, single submitter. Criteria: Ambry Variant Classification Scheme 2023. Collection method: clinical testing. Allele origin: germline.
Comment: The c.-1C>T variant is located in the 5' untranslated region (5&rsquo; UTR) of the RAD51D gene. This variant results from a C to T substitution 1 bases upstream from the first translated codon. This nucleotide position is well conserved in available vertebrate species. Based on the available evidence, the clinical significance of this variant remains unclear.

NM_002878.4(RAD51D):c.-1C>T

Genes: RAD51D (RAD51 paralog D; minus strand), RAD51L3-RFFL (RAD51L3-RFFL readthrough; minus strand). Cytogenetic location: 17q12.
Variant type: single nucleotide variant.
Coding change: c.-1C>T on transcript NM_002878.4 (MANE Select); 1 bases upstream of the start codon, C replaced by T.
Molecular consequence: 5 prime UTR variant. On other transcripts: non-coding transcript variant (2).
Genome position (GRCh38, 1-based): chr17:35,119,614, G>A on the plus strand (C>T on the coding strand, the complement: RAD51D is on the minus strand). VCF-style: chr17-35119614-G-A. GRCh37 (hg19) VCF-style: chr17-33446633-G-A.
Other names: c.-1C>T (NM_001142571.2, NM_133629.3).
Identifiers: ClinVar variation 490135 (VCV000490135.7), dbSNP rs1362923396, ClinGen allele CA625782592.
Genomic context (GRCh38, chr17:35,119,614, plus strand): 5'-GAGAAGCTGGATCATCTCCTCGGTAAGGCCAGGGCACAGTCCGACCCTGAGCACGCCCAT[G>A]TTCCCCGCAGGCCGGAACAGCCCCAGGGGGACTGCACGTCACGTGGGCATTCGCGGGGGG-3'